The following is an entry in ClinVar:

ClinVar aggregate classification (germline): Likely benign (0 of 4 stars; one submission).

Conditions:
AKAP10-related disorder. Also called: AKAP10-related condition.

Allele frequency attached by ClinVar (database versions not stated): gnomAD exomes 0.00001; ExAC 0.00002; gnomAD 0.00007; ESP Exome Variant Server 0.00008; TOPMed 0.00009.
gnomAD v4.1: 20 of 1,614,088 alleles (0.0012%); highest among the groups gnomAD compares: African/African-American, 0.025%; no homozygotes.

Submission:

PreventionGenetics, part of Exact Sciences
Classification: Likely benign for AKAP10-related condition. Last evaluated: 2020-04-17. Review status: no assertion criteria provided. Collection method: clinical testing. Allele origin: germline.
Comment: This variant is classified as likely benign based on ACMG/AMP sequence variant interpretation guidelines (Richards et al. 2015 PMID: 25741868, with internal and published modifications).

NM_007202.4(AKAP10):c.618A>G (p.Arg206=)

Gene: AKAP10 (A-kinase anchoring protein 10; minus strand). Cytogenetic location: 17p11.2.
Variant type: single nucleotide variant.
Coding change: c.618A>G on transcript NM_007202.4 (MANE Select); coding-DNA position 618, A replaced by G.
Protein change: p.Arg206=; no amino-acid change (arginine 206 retained).
Molecular consequence: synonymous variant.
Genome position (GRCh38, 1-based): chr17:19,958,273, T>C on the plus strand (A>G on the coding strand, the complement: AKAP10 is on the minus strand). VCF-style: chr17-19958273-T-C. GRCh37 (hg19) VCF-style: chr17-19861586-T-C.
Other names: c.618A>G, p.Arg206= (NM_001330152.2).
Identifiers: ClinVar variation 3045328 (VCV003045328.2), dbSNP rs146647888, ClinGen allele CA8446000.
Genomic context (GRCh38, chr17:19,958,273, plus strand): 5'-ATTCAGGTCAATTCCTTCTGAATGAGTCATAAACAACTGTGCTGAGCCAGAATCCTCCAA[T>C]CTCTTATCAAGAGAATCAGTTAAAAAAGACGCTGTAGTTTCATGCTTTTTAGATGGAGAG-3'
Protein context (NP_009133.2, residues 196-216): ASFLTDSLDK[Arg206=]LEDSGSAQLF